The following is an entry in ClinVar:

ClinVar aggregate classification (germline): Benign. Review status: criteria provided, single submitter (1 of 4 stars). 2 submissions from 2 submitters: Benign (1). 1 of the submissions does not count toward it. Last evaluated 2026-01-12.

Conditions:
AIRE-related disorder. Also called: AIRE-related condition.
Polyglandular autoimmune syndrome, type 1 (APS1). Also called: PGA I; Autoimmune polyendocrine syndrome type 1; AUTOIMMUNE POLYENDOCRINE SYNDROME, TYPE I, WITH OR WITHOUT REVERSIBLE METAPHYSEAL DYSPLASIA; APS I; HYPOADRENOCORTICISM WITH HYPOPARATHYROIDISM AND SUPERFICIAL MONILIASIS; Autoimmune polyendocrinopathy syndrome , type I, with or without reversible metaphyseal dysplasia. Identifiers: Orphanet 3453, MedGen C0085859, MONDO:0009411, OMIM 240300.

Allele frequency attached by ClinVar (database versions not stated): TOPMed 0.00010.
gnomAD v4.1: 62 of 1,569,208 alleles (0.004%); highest among the groups gnomAD compares: Admixed American, 0.1%; no homozygotes.

Submissions (2):

Labcorp Genetics (formerly Invitae), Labcorp
Classification: Benign for Polyglandular autoimmune syndrome, type 1. Last evaluated: 2026-01-12. Review status: criteria provided, single submitter. Criteria: Invitae Variant Classification Sherloc (09022015). Collection method: clinical testing. Allele origin: germline.

PreventionGenetics, part of Exact Sciences
Classification: Likely benign for AIRE-related condition. Last evaluated: 2019-06-18. Review status: no assertion criteria provided. Collection method: clinical testing. Allele origin: germline. Not counted in ClinVar's aggregate classification.
Comment: This variant is classified as likely benign based on ACMG/AMP sequence variant interpretation guidelines (Richards et al. 2015 PMID: 25741868, with internal and published modifications).

NM_000383.4(AIRE):c.1404G>C (p.Thr468=)

Gene: AIRE (autoimmune regulator; plus strand). Cytogenetic location: 21q22.3.
Variant type: single nucleotide variant.
Coding change: c.1404G>C on transcript NM_000383.4 (MANE Select); coding-DNA position 1404, G replaced by C.
Protein change: p.Thr468=; no amino-acid change (threonine 468 retained).
Molecular consequence: synonymous variant.
Genome position (GRCh38, 1-based): chr21:44,294,404, G>C. VCF-style: chr21-44294404-G-C. GRCh37 (hg19) VCF-style: chr21-45714287-G-C.
Identifiers: ClinVar variation 458615 (VCV000458615.13), dbSNP rs7281600, ClinGen allele CA10052122.